The following is an entry in ClinVar:

NM_014672.4(PRORP):c.1301C>A (p.Ala434Asp)

Genes: PRORP (protein only RNase P catalytic subunit; plus strand), PRORP-PSMA6 (PRORP-PSMA6 readthrough; plus strand). Cytogenetic location: 14q13.2.
Variant type: single nucleotide variant.
Coding change: c.1301C>A on transcript NM_014672.4 (MANE Select); coding-DNA position 1301, C replaced by A.
Protein change: p.Ala434Asp; replaces alanine 434 with aspartic acid.
Molecular consequence: missense variant.
Genome position (GRCh38, 1-based): chr14:35,266,752, C>A. VCF-style: chr14-35266752-C-A. GRCh37 (hg19) VCF-style: chr14-35735958-C-A.
Other names: PRORP, ALA434ASP (rs144536804); c.1253C>A, p.Ala418Asp (NM_001256678.2); c.1016C>A, p.Ala339Asp (NM_001256679.2); c.185C>A, p.Ala62Asp (NM_001256680.2, NM_001256681.2); short protein forms A339D, A418D, A434D, A62D.
Identifiers: ClinVar variation 1292048 (VCV001292048.9), dbSNP rs144536804, ClinGen allele CA7154898.

ClinVar aggregate classification (germline): Likely pathogenic. Review status: criteria provided, single submitter (1 of 4 stars). 4 submissions from 4 submitters: Likely pathogenic (1). 3 of the submissions do not count toward it. Last evaluated 2025-03-25.

Conditions:
PRORP-related disorder. Also called: PRORP-related condition.
Combined oxidative phosphorylation deficiency 54 (COXPD54). Identifiers: MedGen C5676912, MONDO:0030543, OMIM 619737.
Childhood onset sensorineural hearing impairment. Identifiers: MedGen C4023340, HP:0011474.

Allele frequency attached by ClinVar (database versions not stated): 1000 Genomes Project 0.00200; 1000 Genomes Project 30x 0.00234; gnomAD 0.00260 and 0.00281; ESP Exome Variant Server 0.00277; TOPMed 0.00301; gnomAD exomes 0.00028 and 0.00060; ExAC 0.00070.
gnomAD v4.1: 804 of 1,614,022 alleles (0.05%); highest among the groups gnomAD compares: African/African-American, 0.99%; 5 homozygotes.

Submissions (4):

First Genomix Gene Laboratory, Genetic Diagnostics Department
Classification: Likely pathogenic for Combined oxidative phosphorylation deficiency 54. Last evaluated: 2025-03-25. Review status: criteria provided, single submitter. Criteria: ACMG Guidelines, 2015. Collection method: clinical testing. Allele origin: germline. Inheritance: Autosomal recessive inheritance. Affected: no. Observed: 1 variant allele.

OMIM
Classification: Pathogenic for COMBINED OXIDATIVE PHOSPHORYLATION DEFICIENCY 54. Last evaluated: 2024-03-11. Review status: no assertion criteria provided. Collection method: literature only. Allele origin: germline. Not counted in ClinVar's aggregate classification.

Manchester Centre for Genomic Medicine, The University of Manchester
Classification: Likely pathogenic for Childhood onset sensorineural hearing impairment. Last evaluated: 2021-09-23. Review status: no assertion criteria provided. Collection method: clinical testing. Allele origin: germline. Inheritance: Autosomal recessive inheritance. Affected: yes. Not counted in ClinVar's aggregate classification.

PreventionGenetics, part of Exact Sciences
Classification: Benign for PRORP-related condition. Last evaluated: 2019-09-24. Review status: no assertion criteria provided. Collection method: clinical testing. Allele origin: germline. Not counted in ClinVar's aggregate classification.
Comment: This variant is classified as benign based on ACMG/AMP sequence variant interpretation guidelines (Richards et al. 2015 PMID: 25741868, with internal and published modifications).

Literature cited by the submitters: PubMed 34715011 (cited by OMIM).